The following is an entry in ClinVar:

NM_004551.3(NDUFS3):c.2T>G (p.Met1Arg)

Gene: NDUFS3 (NADH:ubiquinone oxidoreductase core subunit S3; plus strand). Cytogenetic location: 11p11.2.
Variant type: single nucleotide variant.
Coding change: c.2T>G on transcript NM_004551.3 (MANE Select); coding-DNA position 2, T replaced by G.
Protein change: p.Met1Arg; changes the start codon (methionine 1).
Molecular consequence: missense variant, initiator codon variant.
Genome position (GRCh38, 1-based): chr11:47,579,093, T>G. VCF-style: chr11-47579093-T-G. GRCh37 (hg19) VCF-style: chr11-47600645-T-G.
Other names: p.M1R:ATG>AGG; short protein forms M1R.
Identifiers: ClinVar variation 214805 (VCV000214805.4), dbSNP rs863224106, ClinGen allele CA320898.

ClinVar aggregate classification (germline): Likely pathogenic (1 of 4 stars; one submission).

Allele frequency attached by ClinVar (database versions not stated): gnomAD exomes 0.00001; ExAC 0.00009; gnomAD 0.00003 and 0.00001.

Submission:

GeneDx
Classification: Likely pathogenic. Last evaluated: 2019-07-18. Review status: criteria provided, single submitter. Criteria: GeneDx Variant Classification Process June 2021. Collection method: clinical testing. Allele origin: germline. Affected: yes.
Comment: Initiation codon variant in a gene for which loss-of-function is a known mechanism of disease; Not observed at a significant frequency in large population cohorts (Lek et al., 2016); Has not been previously published as pathogenic or benign to our knowledge